The following is an entry in ClinVar:

ClinVar aggregate classification (germline): Uncertain significance (1 of 4 stars; one submission).

Submission:

Centre of Medical Genetics, University Hospital Muenster
Classification: Uncertain significance. Last evaluated: 2023-05-08. Review status: criteria provided, single submitter. Criteria: ACMG Guidelines, 2015. Collection method: clinical testing. Allele origin: unknown. Affected: yes. Observed: 1 variant allele, 1 heterozygote.
Comment: ACMG categories: PM2

NM_001122955.4(BSCL2):c.1116del (p.Glu373fs)

Genes: BSCL2 (BSCL2 lipid droplet biogenesis associated, seipin; minus strand), HNRNPUL2-BSCL2 (HNRNPUL2-BSCL2 readthrough (NMD candidate); minus strand). Cytogenetic location: 11q12.3.
Variant type: Deletion.
Coding change: c.1116del on transcript NM_001122955.4 (MANE Select); coding-DNA position 1116, one base deleted (A; older notation c.1116delA).
Protein change: p.Glu373fs; shifts the reading frame from glutamic acid 373.
Molecular consequence: frameshift variant. On other transcripts: non-coding transcript variant (1).
Genome position (GRCh38, 1-based): chr11:62,690,824, T deleted on the plus strand (A on the coding strand, the reverse complement: BSCL2 is on the minus strand). VCF-style (leftmost placement, unchanged base first): chr11-62690823-CT-C. GRCh37 (hg19) VCF-style: chr11-62458295-CT-C.
Other names: c.782del, p.Gln261fs (NM_001130702.2); c.1122del, p.Glu375fs (NM_001386027.1); c.1116del, p.Glu373fs (NM_001386028.1); c.924del, p.Glu309fs (NM_032667.6); short protein forms E309fs, E373fs, E375fs, Q261fs.
Identifiers: ClinVar variation 2504149 (VCV002504149.2), dbSNP rs2539144149, ClinGen allele CA2580615710.